The following is an entry in ClinVar:

ClinVar aggregate classification (germline): Benign. Review status: criteria provided, multiple submitters, no conflicts (2 of 4 stars). 6 submissions from 4 submitters: Benign (6). Last evaluated 2021-07-01.

Conditions:
Usher syndrome type 1 (USH1). Also called: RETINITIS PIGMENTOSA AND CONGENITAL DEAFNESS. Identifiers: Orphanet 231169, Orphanet 886, MedGen C1568247, MONDO:0010168, OMIM 276900.
Autosomal dominant nonsyndromic hearing loss 11. Identifiers: Orphanet 90635, MedGen C1832475, MONDO:0011032, OMIM 601317.
Autosomal recessive nonsyndromic hearing loss 2. Also called: DEAFNESS, AUTOSOMAL RECESSIVE 2; NEUROSENSORY NONSYNDROMIC RECESSIVE DEAFNESS 2. Identifiers: Orphanet 90636, MedGen C1838701, MONDO:0010807, OMIM 600060.

Allele frequency attached by ClinVar (database versions not stated): 1000 Genomes Project 0.51298; gnomAD 0.56062 and 0.56770; gnomAD exomes 0.56079 and 0.55801; TOPMed 0.56237; 1000 Genomes Project 30x 0.51499; ExAC 0.53913; ESP Exome Variant Server 0.57457.
gnomAD v4.1: 740,951 of 1,327,794 alleles (56%); highest among the groups gnomAD compares: Admixed American, 65%; 208,644 homozygotes.

Submissions (6):

Genome-Nilou Lab
Classification: Benign for Autosomal dominant nonsyndromic hearing loss 11. Last evaluated: 2021-07-01. Review status: criteria provided, single submitter. Criteria: ACMG Guidelines, 2015. Collection method: clinical testing. Allele origin: germline. Affected: no.

Genome-Nilou Lab
Classification: Benign for Autosomal recessive nonsyndromic hearing loss 2. Last evaluated: 2021-07-01. Review status: criteria provided, single submitter. Criteria: ACMG Guidelines, 2015. Collection method: clinical testing. Allele origin: germline. Affected: no.

Genome-Nilou Lab
Classification: Benign for Usher syndrome type 1. Last evaluated: 2021-07-01. Review status: criteria provided, single submitter. Criteria: ACMG Guidelines, 2015. Collection method: clinical testing. Allele origin: germline. Affected: no.

GeneDx
Classification: Benign. Last evaluated: 2018-06-13. Review status: criteria provided, single submitter. Criteria: GeneDx Variant Classification (06012015). Collection method: clinical testing. Allele origin: germline. Affected: yes.
Comment: This variant is considered likely benign or benign based on one or more of the following criteria: it is a conservative change, it occurs at a poorly conserved position in the protein, it is predicted to be benign by multiple in silico algorithms, and/or has population frequency not consistent with disease.

Breakthrough Genomics
Classification: Benign. Review status: criteria provided, single submitter. Criteria: ACMG Guidelines, 2015. Collection method: not provided. Allele origin: germline. Inheritance: Autosomal recessive inheritance. Affected: yes.

PreventionGenetics, part of Exact Sciences
Classification: Benign. Review status: criteria provided, single submitter. Criteria: ACMG Guidelines, 2015. Collection method: clinical testing. Allele origin: germline.

NM_000260.4(MYO7A):c.5856+50G>A

Gene: MYO7A (myosin VIIA; plus strand). Cytogenetic location: 11q13.5.
Variant type: single nucleotide variant.
Coding change: c.5856+50G>A on transcript NM_000260.4 (MANE Select); 50 bases into the intron after coding-DNA position 5856, G replaced by A.
Molecular consequence: intron variant.
Genome position (GRCh38, 1-based): chr11:77,207,452, G>A. VCF-style: chr11-77207452-G-A. GRCh37 (hg19) VCF-style: chr11-76918497-G-A.
Other names: c.5709+50G>A (NM_001369365.1); c.5742+50G>A (NM_001127180.2).
Identifiers: ClinVar variation 255664 (VCV000255664.6), dbSNP rs2276290, ClinGen allele CA6198849.